The following is an entry in ClinVar:

NM_006736.6(DNAJB2):c.572G>T (p.Arg191Leu)

Gene: DNAJB2 (DnaJ heat shock protein family (Hsp40) member B2; plus strand). Cytogenetic location: 2q35.
Variant type: single nucleotide variant.
Coding change: c.572G>T on transcript NM_006736.6 (MANE Select); coding-DNA position 572, G replaced by T.
Protein change: p.Arg191Leu; replaces arginine 191 with leucine.
Molecular consequence: missense variant.
Genome position (GRCh38, 1-based): chr2:219,283,442, G>T. VCF-style: chr2-219283442-G-T. GRCh37 (hg19) VCF-style: chr2-220148164-G-T.
Other names: c.572G>T, p.Arg191Leu (NM_001039550.2); short protein forms R191L.
Identifiers: ClinVar variation 4748162 (VCV004748162.1).

ClinVar aggregate classification (germline): Uncertain significance (1 of 4 stars; one submission).

Conditions:
Neuronopathy, distal hereditary motor, autosomal recessive 5. Also called: Spinal muscular atrophy, distal, autosomal recessive, 5; Young adult-onset distal hereditary motor neuropathy; NEUROPATHY, DISTAL HEREDITARY MOTOR, AUTOSOMAL RECESSIVE 5. Identifiers: Orphanet 314485, Orphanet 443950, MedGen C4749918, MONDO:0013947, OMIM 614881.

Submission:

Labcorp Genetics (formerly Invitae), Labcorp
Classification: Uncertain significance for Neuronopathy, distal hereditary motor, autosomal recessive 5. Last evaluated: 2025-10-07. Review status: criteria provided, single submitter. Criteria: Invitae Variant Classification Sherloc (09022015). Collection method: clinical testing. Allele origin: germline.
Comment: This sequence change replaces arginine, which is basic and polar, with leucine, which is neutral and non-polar, at codon 191 of the DNAJB2 protein (p.Arg191Leu). This variant is not present in population databases (gnomAD no frequency). This variant has not been reported in the literature in individuals affected with DNAJB2-related conditions. Invitae Evidence Modeling of protein sequence and biophysical properties (such as structural, functional, and spatial information, amino acid conservation, physicochemical variation, residue mobility, and thermodynamic stability) indicates that this missense variant is expected to disrupt DNAJB2 protein function with a positive predictive value of 80%. In summary, the available evidence is currently insufficient to determine the role of this variant in disease. Therefore, it has been classified as a Variant of Uncertain Significance.